The following is an entry in ClinVar:

NM_005219.5(DIAPH1):c.3140C>T (p.Ala1047Val)

Gene: DIAPH1 (diaphanous related formin 1; minus strand). Cytogenetic location: 5q31.3.
Variant type: single nucleotide variant.
Coding change: c.3140C>T on transcript NM_005219.5 (MANE Select); coding-DNA position 3140, C replaced by T.
Protein change: p.Ala1047Val; replaces alanine 1047 with valine.
Molecular consequence: missense variant.
Genome position (GRCh38, 1-based): chr5:141,528,461, G>A on the plus strand (C>T on the coding strand, the complement: DIAPH1 is on the minus strand). VCF-style: chr5-141528461-G-A. GRCh37 (hg19) VCF-style: chr5-140908028-G-A.
Other names: c.3113C>T, p.Ala1038Val (NM_001079812.3); c.3140C>T, p.Ala1047Val (NM_001314007.2); short protein forms A1038V, A1047V.
Identifiers: ClinVar variation 2087359 (VCV002087359.4), dbSNP rs781462838, ClinGen allele CA3478891.

ClinVar aggregate classification (germline): Uncertain significance (1 of 4 stars; one submission).

Conditions:
Autosomal dominant nonsyndromic hearing loss 1. Also called: KONIGSMARK SYNDROME; DEAFNESS, AUTOSOMAL DOMINANT 1, WITH OR WITHOUT THROMBOCYTOPENIA. Identifiers: Orphanet 90635, MedGen C1852282, MONDO:0007424, OMIM 124900.
Progressive microcephaly-seizures-cortical blindness-developmental delay syndrome. Also called: Seizures, cortical blindness, and microcephaly syndrome. Identifiers: Orphanet 477814, MedGen C5567650, MONDO:0014714, OMIM 616632.

Allele frequency attached by ClinVar (database versions not stated): ExAC 0.00001; gnomAD 0.00001; gnomAD exomes 0.00002.
gnomAD v4.1: 18 of 1,614,066 alleles (0.0011%); highest among the groups gnomAD compares: Non-Finnish European, 0.0015%; no homozygotes.

Submission:

Labcorp Genetics (formerly Invitae), Labcorp
Classification: Uncertain significance for Progressive microcephaly-seizures-cortical blindness-developmental delay syndrome; Autosomal dominant nonsyndromic hearing loss 1. Last evaluated: 2022-06-04. Review status: criteria provided, single submitter. Criteria: Invitae Variant Classification Sherloc (09022015). Collection method: clinical testing. Allele origin: germline.
Comment: Algorithms developed to predict the effect of sequence changes on RNA splicing suggest that this variant may create or strengthen a splice site. Algorithms developed to predict the effect of missense changes on protein structure and function are either unavailable or do not agree on the potential impact of this missense change (SIFT: "Deleterious"; PolyPhen-2: "Probably Damaging"; Align-GVGD: "Class C0"). This variant has not been reported in the literature in individuals affected with DIAPH1-related conditions. This variant is present in population databases (rs781462838, gnomAD 0.002%). This sequence change replaces alanine, which is neutral and non-polar, with valine, which is neutral and non-polar, at codon 1047 of the DIAPH1 protein (p.Ala1047Val). In summary, the available evidence is currently insufficient to determine the role of this variant in disease. Therefore, it has been classified as a Variant of Uncertain Significance.